The following is an entry in ClinVar:

NM_002755.4(MAP2K1):c.332T>A (p.Ile111Asn)

Gene: MAP2K1 (mitogen-activated protein kinase kinase 1; plus strand). Cytogenetic location: 15q22.31.
Variant type: single nucleotide variant.
Coding change: c.332T>A on transcript NM_002755.4 (MANE Select); coding-DNA position 332, T replaced by A.
Protein change: p.Ile111Asn; replaces isoleucine 111 with asparagine.
Molecular consequence: missense variant.
Genome position (GRCh38, 1-based): chr15:66,436,786, T>A. VCF-style: chr15-66436786-T-A. GRCh37 (hg19) VCF-style: chr15-66729124-T-A.
Other names: short protein forms I111N.
Identifiers: ClinVar variation 376194 (VCV000376194.10), dbSNP rs1057519730, ClinGen allele CA16602649.

ClinVar aggregate classification (germline): Pathogenic (1 of 4 stars; one submission).

Conditions:
RASopathy. Also called: Noonan spectrum disorder; rasopathies. Identifiers: Orphanet 536391, MedGen C5555857, MONDO:0021060.

Submission:

Labcorp Genetics (formerly Invitae), Labcorp
Classification: Pathogenic for RASopathy. Last evaluated: 2019-10-25. Review status: criteria provided, single submitter. Criteria: Invitae Variant Classification Sherloc (09022015). Collection method: clinical testing. Allele origin: germline.
Comment: For these reasons, this variant has been classified as Pathogenic. This variant has been reported to affect MAP2K1 protein function (PMID: 19915144). This variant has been observed in individual(s) with clinical features of Noonan syndrome (Invitae). In at least one individual the variant was observed to be de novo. ClinVar contains an entry for this variant (Variation ID: 376194). This variant is not present in population databases (ExAC no frequency). This sequence change replaces isoleucine with asparagine at codon 111 of the MAP2K1 protein (p.Ile111Asn). The isoleucine residue is highly conserved and there is a large physicochemical difference between isoleucine and asparagine.

Literature cited by the submitters: PubMed 19915144.